The following is an entry in ClinVar:

ClinVar aggregate classification (germline): Benign. Review status: criteria provided, multiple submitters, no conflicts (2 of 4 stars). 3 submissions from 3 submitters: Benign (3). Last evaluated 2018-06-16.

Conditions:
3-methylglutaconic aciduria type 1 (MGCA1). Identifiers: Orphanet 67046, MedGen C0342727, MONDO:0009610, OMIM 250950.

Allele frequency attached by ClinVar (database versions not stated): gnomAD 0.01732 and 0.01845; TOPMed 0.01874; 1000 Genomes Project 0.02017; gnomAD exomes 0.00186; 1000 Genomes Project 30x 0.02139.
gnomAD v4.1: 4,161 of 931,596 alleles (0.45%); highest among the groups gnomAD compares: African/African-American, 5.9%; 97 homozygotes.

Submissions (3):

GeneDx
Classification: Benign. Last evaluated: 2018-06-16. Review status: criteria provided, single submitter. Criteria: GeneDx Variant Classification Process June 2021. Collection method: clinical testing. Allele origin: germline. Affected: yes.

Illumina Laboratory Services, Illumina
Classification: Benign for 3-methylglutaconic aciduria type 1. Last evaluated: 2018-01-13. Review status: criteria provided, single submitter. Criteria: ICSL Variant Classification Criteria 13 December 2019. Collection method: clinical testing. Allele origin: germline.
Comment: This variant was observed in the ICSL laboratory as part of a predisposition screen in an ostensibly healthy population. It had not been previously curated by ICSL or reported in the Human Gene Mutation Database (HGMD: prior to June 1st, 2018), and was therefore a candidate for classification through an automated scoring system. Utilizing variant allele frequency, disease prevalence and penetrance estimates, and inheritance mode, an automated score was calculated to assess if this variant is too frequent to cause the disease. Based on the score and internal cut-off values, a variant classified as benign is not then subjected to further curation. The score for this variant resulted in a classification of benign for this disease.

Breakthrough Genomics
Classification: Benign. Review status: criteria provided, single submitter. Criteria: ACMG Guidelines, 2015. Collection method: not provided. Allele origin: germline. Inheritance: Autosomal recessive inheritance. Affected: yes.

NM_001698.3(AUH):c.*107A>G

Gene: AUH (AU RNA binding methylglutaconyl-CoA hydratase; minus strand). Cytogenetic location: 9q22.31.
Variant type: single nucleotide variant.
Coding change: c.*107A>G on transcript NM_001698.3 (MANE Select); 107 bases downstream of the stop codon, A replaced by G.
Molecular consequence: 3 prime UTR variant.
Genome position (GRCh38, 1-based): chr9:91,214,241, T>C on the plus strand (A>G on the coding strand, the complement: AUH is on the minus strand). VCF-style: chr9-91214241-T-C. GRCh37 (hg19) VCF-style: chr9-93976523-T-C.
Other names: c.*107A>G (NM_001306190.2, NM_001351431.2, NM_001351432.2 and 1 more transcripts).
Identifiers: ClinVar variation 367474 (VCV000367474.7), dbSNP rs75505223, ClinGen allele CA10630517.